The following is an entry in ClinVar:

NM_030957.4(ADAMTS10):c.208G>T (p.Ala70Ser)

Gene: ADAMTS10 (ADAM metallopeptidase with thrombospondin type 1 motif 10; minus strand). Cytogenetic location: 19p13.2.
Variant type: single nucleotide variant.
Coding change: c.208G>T on transcript NM_030957.4 (MANE Select); coding-DNA position 208, G replaced by T.
Protein change: p.Ala70Ser; replaces alanine 70 with serine.
Molecular consequence: missense variant.
Genome position (GRCh38, 1-based): chr19:8,605,239, C>A on the plus strand (G>T on the coding strand, the complement: ADAMTS10 is on the minus strand). VCF-style: chr19-8605239-C-A. GRCh37 (hg19) VCF-style: chr19-8670124-C-A.
Other names: short protein forms A70S.
Identifiers: ClinVar variation 1395663 (VCV001395663.8), dbSNP rs1555742306, ClinGen allele CA403757730.

ClinVar aggregate classification (germline): Uncertain significance (1 of 4 stars; one submission).

Allele frequency attached by ClinVar (database versions not stated): TOPMed below 0.00001; gnomAD exomes 0.00002.
gnomAD v4.1: 24 of 1,613,246 alleles (0.0015%); highest among the groups gnomAD compares: Non-Finnish European, 0.0019%; no homozygotes.

Submission:

Labcorp Genetics (formerly Invitae), Labcorp
Classification: Uncertain significance. Last evaluated: 2024-12-26. Review status: criteria provided, single submitter. Criteria: Invitae Variant Classification Sherloc (09022015). Collection method: clinical testing. Allele origin: germline.
Comment: This sequence change replaces alanine, which is neutral and non-polar, with serine, which is neutral and polar, at codon 70 of the ADAMTS10 protein (p.Ala70Ser). This variant is present in population databases (no rsID available, gnomAD 0.005%). This variant has not been reported in the literature in individuals affected with ADAMTS10-related conditions. ClinVar contains an entry for this variant (Variation ID: 1395663). An algorithm developed to predict the effect of missense changes on protein structure and function outputs the following: PolyPhen-2: "Benign". The serine amino acid residue is found in multiple mammalian species, which suggests that this missense change does not adversely affect protein function. In summary, the available evidence is currently insufficient to determine the role of this variant in disease. Therefore, it has been classified as a Variant of Uncertain Significance.